The following is an entry in ClinVar:

ClinVar aggregate classification (germline): Uncertain significance. Review status: criteria provided, multiple submitters, no conflicts (2 of 4 stars). 2 submissions from 2 submitters: Uncertain significance (2). Last evaluated 2023-10-22.

Allele frequency attached by ClinVar (database versions not stated): ExAC 0.00001; gnomAD 0.00001; 1000 Genomes Project 30x 0.00016; 1000 Genomes Project 0.00020.
gnomAD v4.1: 1 of 1,613,702 alleles (0.000062%); highest among the groups gnomAD compares: East Asian, 0.0022%; no homozygotes.

Submissions (2):

Labcorp Genetics (formerly Invitae), Labcorp
Classification: Uncertain significance. Last evaluated: 2023-10-22. Review status: criteria provided, single submitter. Criteria: Invitae Variant Classification Sherloc (09022015). Collection method: clinical testing. Allele origin: germline.
Comment: This sequence change replaces threonine, which is neutral and polar, with asparagine, which is neutral and polar, at codon 1524 of the SCN3A protein (p.Thr1524Asn). This variant is present in population databases (rs529172273, gnomAD 0.006%). This variant has not been reported in the literature in individuals affected with SCN3A-related conditions. Advanced modeling of protein sequence and biophysical properties (such as structural, functional, and spatial information, amino acid conservation, physicochemical variation, residue mobility, and thermodynamic stability) performed at Invitae indicates that this missense variant is not expected to disrupt SCN3A protein function. In summary, the available evidence is currently insufficient to determine the role of this variant in disease. Therefore, it has been classified as a Variant of Uncertain Significance.

CeGaT Center for Human Genetics Tuebingen
Classification: Uncertain significance. Last evaluated: 2023-01-01. Review status: criteria provided, single submitter. Criteria: CeGaT Center For Human Genetics Tuebingen Variant Classification Criteria Version 2. Collection method: clinical testing. Allele origin: germline. Affected: yes. Observed: 1 variant allele.
Comment: SCN3A: PP2, PP3

NM_006922.4(SCN3A):c.4571C>A (p.Thr1524Asn)

Gene: SCN3A (sodium voltage-gated channel alpha subunit 3; minus strand). Cytogenetic location: 2q24.3.
Variant type: single nucleotide variant.
Coding change: c.4571C>A on transcript NM_006922.4 (MANE Select); coding-DNA position 4571, C replaced by A.
Protein change: p.Thr1524Asn; replaces threonine 1524 with asparagine.
Molecular consequence: missense variant.
Genome position (GRCh38, 1-based): chr2:165,092,490, G>T on the plus strand (C>A on the coding strand, the complement: SCN3A is on the minus strand). VCF-style: chr2-165092490-G-T. GRCh37 (hg19) VCF-style: chr2-165949000-G-T.
Other names: c.4424C>A, p.Thr1475Asn (NM_001081676.2, NM_001081677.2); short protein forms T1475N, T1524N.
Identifiers: ClinVar variation 2651478 (VCV002651478.27), dbSNP rs529172273, ClinGen allele CA1938535.